The following is an entry in ClinVar:

ClinVar aggregate classification (germline): Uncertain significance. Review status: criteria provided, multiple submitters, no conflicts (2 of 4 stars). 2 submissions from 2 submitters: Uncertain significance (2). Last evaluated 2026-07-07.

Conditions:
RYR1-related disorder. Also called: RYR1-related condition; RYR1-related disorders. Identifiers: MedGen CN239331.
Inborn genetic diseases. Identifiers: MedGen C0950123, MeSH D030342.

Submissions (2):

Ambry Genetics
Classification: Uncertain significance for Inborn genetic diseases. Last evaluated: 2026-07-07. Review status: criteria provided, single submitter. Criteria: Ambry Variant Classification Scheme 2023. Collection method: clinical testing. Allele origin: germline.
Comment: The p.F3898L variant (also known as c.11694C>A), located in coding exon 85 of the RYR1 gene, results from a C to A substitution at nucleotide position 11694. The phenylalanine at codon 3898 is replaced by leucine, an amino acid with highly similar properties. This amino acid position is conserved. In addition, the in silico prediction for this alteration is inconclusive. Based on the available evidence, the clinical significance of this variant remains unclear.

Labcorp Genetics (formerly Invitae), Labcorp
Classification: Uncertain significance for RYR1-related disorder. Last evaluated: 2021-04-08. Review status: criteria provided, single submitter. Criteria: Invitae Variant Classification Sherloc (09022015). Collection method: clinical testing. Allele origin: germline.
Comment: In summary, the available evidence is currently insufficient to determine the role of this variant in disease. Therefore, it has been classified as a Variant of Uncertain Significance. Advanced modeling of protein sequence and biophysical properties (such as structural, functional, and spatial information, amino acid conservation, physicochemical variation, residue mobility, and thermodynamic stability) performed at Invitae indicates that this missense variant is expected to disrupt RYR1 protein function. This variant has not been reported in the literature in individuals with RYR1-related conditions. This variant is not present in population databases (ExAC no frequency). This sequence change replaces phenylalanine with leucine at codon 3898 of the RYR1 protein (p.Phe3898Leu). The phenylalanine residue is moderately conserved and there is a small physicochemical difference between phenylalanine and leucine.

NM_000540.3(RYR1):c.11694C>A (p.Phe3898Leu)

Gene: RYR1 (ryanodine receptor 1; plus strand). Cytogenetic location: 19q13.2.
Variant type: single nucleotide variant.
Coding change: c.11694C>A on transcript NM_000540.3 (MANE Select); coding-DNA position 11694, C replaced by A.
Protein change: p.Phe3898Leu; replaces phenylalanine 3898 with leucine.
Molecular consequence: missense variant.
Genome position (GRCh38, 1-based): chr19:38,543,351, C>A. VCF-style: chr19-38543351-C-A. GRCh37 (hg19) VCF-style: chr19-39033991-C-A.
Other names: c.11679C>A, p.Phe3893Leu (NM_001042723.2); c.11694C>A (NM_000540.2); short protein forms F3898L, F3893L.
Identifiers: ClinVar variation 1385982 (VCV001385982.9), dbSNP rs2145774587, ClinGen allele CA405661073.